The following is an entry in ClinVar:

ClinVar aggregate classification (germline): Pathogenic. Review status: criteria provided, single submitter (1 of 4 stars). 2 submissions from 2 submitters: Pathogenic (1). 1 of the submissions does not count toward it. Last evaluated 2025-07-02.

Conditions:
KCNQ2-Related Disorders. Also called: KCNQ2-related disorder; KCNQ2-related condition. Identifiers: MedGen CN169299.
Early-infantile DEE. Also called: Early infantile epileptic encephalopathy; Ohtahara syndrome; Early infantile epileptic encephalopathy with suppression bursts. Identifiers: Orphanet 1934, MedGen C0393706, MONDO:0800491.

Submissions (2):

Labcorp Genetics (formerly Invitae), Labcorp
Classification: Pathogenic for Early-infantile DEE. Last evaluated: 2025-07-02. Review status: criteria provided, single submitter. Criteria: Invitae Variant Classification Sherloc (09022015). Collection method: clinical testing. Allele origin: germline.
Comment: This sequence change creates a premature translational stop signal (p.Tyr264*) in the KCNQ2 gene. It is expected to result in an absent or disrupted protein product. Loss-of-function variants in KCNQ2 are known to be pathogenic (PMID: 14534157, 23692823, 27779742). This variant is not present in population databases (gnomAD no frequency). This variant has not been reported in the literature in individuals affected with KCNQ2-related conditions. ClinVar contains an entry for this variant (Variation ID: 1076678). For these reasons, this variant has been classified as Pathogenic.

PreventionGenetics, part of Exact Sciences
Classification: Likely pathogenic for KCNQ2-related condition. Last evaluated: 2024-09-09. Review status: no assertion criteria provided. Collection method: clinical testing. Allele origin: germline. Not counted in ClinVar's aggregate classification.
Comment: The KCNQ2 c.792C>A variant is predicted to result in premature protein termination (p.Tyr264*). To our knowledge, this variant has not been reported in the literature. This variant has not been reported in a large population database, indicating this variant is rare. Nonsense variants in KCNQ2 are expected to be pathogenic. This variant is interpreted as likely pathogenic.

Literature cited by the submitters: PubMed 14534157 (cited by Labcorp Genetics (formerly Invitae), Labcorp); PubMed 23692823 (cited by Labcorp Genetics (formerly Invitae), Labcorp); PubMed 27779742 (cited by Labcorp Genetics (formerly Invitae), Labcorp).

NM_172107.4(KCNQ2):c.792C>A (p.Tyr264Ter)

Gene: KCNQ2 (potassium voltage-gated channel subfamily Q member 2; minus strand). Cytogenetic location: 20q13.33.
Variant type: single nucleotide variant.
Coding change: c.792C>A on transcript NM_172107.4 (MANE Select); coding-DNA position 792, C replaced by A.
Protein change: p.Tyr264Ter; replaces tyrosine 264 with a stop codon.
Molecular consequence: nonsense.
Genome position (GRCh38, 1-based): chr20:63,442,430, G>T on the plus strand (C>A on the coding strand, the complement: KCNQ2 is on the minus strand). VCF-style: chr20-63442430-G-T. GRCh37 (hg19) VCF-style: chr20-62073783-G-T.
Other names: c.792C>A, p.Tyr264Ter (NM_001382235.1, NM_004518.6, NM_172106.3 and 2 more transcripts); c.792C>A (NM_172107.3); short protein forms Y264*.
Identifiers: ClinVar variation 1076678 (VCV001076678.9), dbSNP rs143399744, ClinGen allele CA409653401.